The following is an entry in ClinVar:

NM_001040458.3(ERAP1):c.2671-40G>A

Gene: ERAP1 (endoplasmic reticulum aminopeptidase 1; minus strand). Cytogenetic location: 5q15.
Variant type: single nucleotide variant.
Coding change: c.2671-40G>A on transcript NM_001040458.3 (MANE Select); 40 bases into the intron before coding-DNA position 2671, G replaced by A.
Molecular consequence: intron variant.
Genome position (GRCh38, 1-based): chr5:96,776,591, C>T on the plus strand (G>A on the coding strand, the complement: ERAP1 is on the minus strand). VCF-style: chr5-96776591-C-T. GRCh37 (hg19) VCF-style: chr5-96112295-C-T.
Other names: c.2671-40G>A (NM_001349244.2, NM_016442.5, NM_001198541.3).
Identifiers: ClinVar variation 2688518 (VCV002688518.2), dbSNP rs56325109, ClinGen allele CA3351840.
Genomic context (GRCh38, chr5:96,776,591, plus strand): 5'-AGAGCTGAAGAATCCTTTTACCTTGTGAGGAAAAAGTGGGTTTTAAAAAATTAATTTTAT[C>T]ACATTAATCAGATGTAACTTTAGTTAAAACTGAAGCCAAAATTCCAGCATTTGTCAAAAT-3'

ClinVar aggregate classification (germline): Benign (1 of 4 stars; one submission).

Allele frequency attached by ClinVar (database versions not stated): 1000 Genomes Project 0.05950; 1000 Genomes Project 30x 0.05981; TOPMed 0.08651; gnomAD 0.08987; ESP Exome Variant Server 0.09405; ExAC 0.10123; gnomAD exomes 0.11457.
gnomAD v4.1: 179,330 of 1,599,832 alleles (11%); highest among the groups gnomAD compares: Non-Finnish European, 13%; 11,167 homozygotes.

Submission:

Unidad de Genómica Garrahan, Hospital de Pediatría Garrahan
Classification: Benign. Last evaluated: 2024-01-24. Review status: criteria provided, single submitter. Criteria: ACMG Guidelines, 2015. Collection method: clinical testing. Allele origin: germline. Affected: no. Observed: 18 variant alleles.
Comment: This variant is classified as Benign based on local population frequency. This variant was detected in 20% of patients studied by a panel of primary immunodeficiencies. Number of patients: 18. Only high quality variants are reported.